The following continues an entry in ClinVar:

NM_000218.3(KCNQ1):c.1615C>T (p.Arg539Trp)

Gene: KCNQ1. ClinVar aggregate classification (germline): Pathogenic/Likely pathogenic. Pathogenic (12); Likely pathogenic (1).

Submissions 11 to 15 of 15:

Women's Health and Genetics/Laboratory Corporation of America, LabCorp
Classification: Pathogenic for Long QT syndrome. Last evaluated: 2017-11-13. Review status: criteria provided, single submitter. Criteria: LabCorp Variant Classification Summary - May 2015. Collection method: clinical testing. Allele origin: germline.
Comment: Variant summary: The KCNQ1 c.1615C>T (p.Arg539Trp) variant located in the C-terminal domain involves the alteration of a conserved nucleotide and 5/5 in silico tools predict a damaging outcome for this variant. Multiple functional studies, Chouabe_2000 and Yamashita_2001, indicate the variant has a dominant-negative effect. This variant was found in 1/30938 control chromosomes (gnomAD) at a frequency of 0.0000323, which does not exceed the estimated maximal expected allele frequency of a pathogenic KCNQ1 variant (0.0000833). In addition, multiple clinical diagnostic laboratories/reputable databases classified this variant as pathogenic. Taken together, this variant is classified as pathogenic.

Stanford Center for Inherited Cardiovascular Disease, Stanford University
Classification: Pathogenic. Last evaluated: 2014-09-23. Review status: criteria provided, single submitter. Criteria: ACMG Guidelines, 2015. Collection method: provider interpretation. Allele origin: germline.

Molecular Diagnostic Laboratory for Inherited Cardiovascular Disease, Montreal Heart Institute
Classification: Pathogenic for Long QT syndrome. Review status: criteria provided, single submitter. Criteria: ACMG Guidelines, 2015. Collection method: clinical testing. Allele origin: germline. Affected: yes.

PreventionGenetics, part of Exact Sciences
Classification: Pathogenic for KCNQ1-related condition. Last evaluated: 2024-08-13. Review status: no assertion criteria provided. Collection method: clinical testing. Allele origin: germline. Not counted in ClinVar's aggregate classification.
Comment: The KCNQ1 c.1615C>T variant is predicted to result in the amino acid substitution p.Arg539Trp. This variant has been reported in multiple individuals with long QT syndrome type 1 (Chouabe et al. 2000. PubMed ID: 10728423; Tester et al. 2005. PubMed ID: 15840476; Stattin et al. 2012. PubMed ID: 23098067; Table S1, Lieve et al. 2013. PubMed ID: 23631430; Table S1, Westphal et al. 2020. PubMed ID: 32383558; Table S1, Schwartz et al. 2021. PubMed ID: 34505893) and has been shown to co-segregate with disease in a large family (Chouabe et al. 2000. PubMed ID: 10728423). In vitro functional studies have demonstrated that this variant negatively impacts potassium channel function (Chouabe et al. 2000. PubMed ID: 10728423; Park et al. 2005. PubMed ID: 15746441; Coyan et al. 2014. PubMed ID: 24681627). This variant is reported in 0.0022% of alleles in individuals of European (non-Finnish) descent in gnomAD. Other missense variants at the same amino acid residue (p.Arg539Leu, p.Arg539Gln) have been reported in individuals with long QT syndrome, at least one of which (p.Arg539Leu) was shown to be functionally damaging (Table S1, Kapplinger et al. 2009. PubMed ID: 19716085; Rinné et al. 2023. PubMed ID: 36674868). Taken together, we interpret the p.Arg539Trp variant as pathogenic.

Cardiovascular Biomedical Research Unit, Royal Brompton & Harefield NHS Foundation Trust
No classification provided. Condition: Familial long QT syndrome. Review status: no classification provided. Collection method: literature only. Allele origin: germline. Not counted in ClinVar's aggregate classification.
Comment: This variant has been reported as associated with Long QT syndrome in the following publications (PMID:9312006;PMID:14678125;PMID:15466642;PMID:15840476;PMID:18174212;PMID:19716085;PMID:19841300;PMID:10728423;PMID:15746441). This is a literature report, and does not necessarily reflect the clinical interpretation of the Imperial College / Royal Brompton Cardiovascular Genetics laboratory.

Literature cited by the submitters: PubMed 10728423 (cited by 6 submitters); PubMed 14678125 (cited by 4 submitters); PubMed 15840476 (cited by 5 submitters); PubMed 23098067 (cited by Labcorp Genetics (formerly Invitae), Labcorp and Victorian Clinical Genetics Services, Murdoch Childrens Research Institute); PubMed 23631430 (cited by Labcorp Genetics (formerly Invitae), Labcorp); PubMed 15746441 (cited by 4 submitters); PubMed 16556866 (cited by Labcorp Genetics (formerly Invitae), Labcorp); PubMed 21576493 (cited by Labcorp Genetics (formerly Invitae), Labcorp and All of Us Research Program, National Institutes of Health); PubMed 23251633 (cited by Labcorp Genetics (formerly Invitae), Labcorp and All of Us Research Program, National Institutes of Health); PubMed 24681627 (cited by 3 submitters); PubMed 25559286 (cited by Labcorp Genetics (formerly Invitae), Labcorp); PubMed 19841300 (cited by 3 submitters); PubMed 25234465 (cited by All of Us Research Program, National Institutes of Health); PubMed 28549997 (cited by All of Us Research Program, National Institutes of Health); PubMed 32383558 (cited by All of Us Research Program, National Institutes of Health); PubMed 32421437 (cited by All of Us Research Program, National Institutes of Health); PubMed 32893267 (cited by All of Us Research Program, National Institutes of Health); PubMed 15466642 (cited by Ambry Genetics and Cardiovascular Biomedical Research Unit, Royal Brompton & Harefield NHS Foundation Trust); PubMed 18174212 (cited by Ambry Genetics and Cardiovascular Biomedical Research Unit, Royal Brompton & Harefield NHS Foundation Trust); PubMed 19716085 (cited by Ambry Genetics and Cardiovascular Biomedical Research Unit, Royal Brompton & Harefield NHS Foundation Trust); PubMed 22949429 (cited by Ambry Genetics); PubMed 9312006 (cited by Ambry Genetics and Cardiovascular Biomedical Research Unit, Royal Brompton & Harefield NHS Foundation Trust); PubMed 19632626 (cited by Victorian Clinical Genetics Services, Murdoch Childrens Research Institute); PubMed 28438721 (cited by Victorian Clinical Genetics Services, Murdoch Childrens Research Institute); PubMed 32431610 (cited by Victorian Clinical Genetics Services, Murdoch Childrens Research Institute); PubMed 11162126 (cited by Women's Health and Genetics/Laboratory Corporation of America, LabCorp); PubMed 22581653 (cited by Cardiovascular Biomedical Research Unit, Royal Brompton & Harefield NHS Foundation Trust).